The following is an entry in ClinVar:

NM_001267550.2(TTN):c.39466C>A (p.Pro13156Thr)

Gene: TTN (titin; minus strand). Cytogenetic location: 2q31.2.
Variant type: single nucleotide variant.
Coding change: c.39466C>A on transcript NM_001267550.2 (MANE Select); coding-DNA position 39466, C replaced by A.
Protein change: p.Pro13156Thr; replaces proline 13156 with threonine.
Molecular consequence: missense variant. On other transcripts: intron variant (3).
Genome position (GRCh38, 1-based): chr2:178,651,534, G>T on the plus strand (C>A on the coding strand, the complement: TTN is on the minus strand). VCF-style: chr2-178651534-G-T. GRCh37 (hg19) VCF-style: chr2-179516261-G-T.
Other names: p.P10722T:CCC>ACC; p.Pro11649Thr; c.13283-9217C>A (NM_003319.4); c.13859-9217C>A (NM_133437.4); c.13658-9217C>A (NM_133432.3); c.34945C>A, p.Pro11649Thr (NM_001256850.1); c.32164C>A, p.Pro10722Thr (NM_133378.4); short protein forms P10722T, P13156T, P11649T.
Identifiers: ClinVar variation 178221 (VCV000178221.87), dbSNP rs72650064, ClinGen allele CA181826.

ClinVar aggregate classification (germline): Conflicting classifications of pathogenicity. Review status: criteria provided, conflicting classifications (1 of 4 stars). 23 submissions from 19 submitters: Uncertain significance (7); Benign (5); Likely benign (6). 5 of the submissions do not count toward it. Last evaluated 2026-07-01.

Conditions:
Cardiomyopathy (CMYO). Also called: Cardiomyopathies. Identifiers: Orphanet 167848, MedGen C0878544, MONDO:0004994, HP:0001638. Inheritance: Various modes of inheritance.
Supraventricular tachycardia. Identifiers: MedGen C0039240, HP:0004755.
TTN-related disorder. Also called: TTN-related disorders; TTN-related condition; TTN-related disease.
Cardiovascular phenotype. Identifiers: MedGen CN230736.
Autosomal recessive limb-girdle muscular dystrophy type 2J (LGMDR10). Also called: Limb-girdle muscular dystrophy, type 2J; MUSCULAR DYSTROPHY, LIMB-GIRDLE, AUTOSOMAL RECESSIVE 10. Identifiers: Orphanet 140922, MedGen C1837342, MONDO:0012127, OMIM 608807.
Dilated cardiomyopathy 1G (CMD1G). Identifiers: Orphanet 154, MedGen C1858763, MONDO:0011400, OMIM 604145.
Myopathy, myofibrillar, 9, with early respiratory failure (MFM9). Also called: Myopathy, distal, with early respiratory failure, autosomal dominant; EDSTROM MYOPATHY; MYOPATHY, PROXIMAL, WITH EARLY RESPIRATORY MUSCLE INVOLVEMENT; Hereditary myopathy with early respiratory failure. Identifiers: Orphanet 178464, Orphanet 34521, MedGen C1863599, MONDO:0011362, OMIM 603689.
Early-onset myopathy with fatal cardiomyopathy (CMYO5). Also called: Salih Myopathy; CONGENITAL MYOPATHY 5 WITH CARDIOMYOPATHY. Identifiers: Orphanet 289377, MedGen C2673677, MONDO:0012714, OMIM 611705. Disease mechanism: loss of function.
Tibial muscular dystrophy (TMD). Also called: Udd Distal Myopathy – Tibial Muscular Dystrophy; UDD MYOPATHY; Tibial muscular dystrophy, tardive. Identifiers: Orphanet 609, MedGen C1838244, MONDO:0010870, OMIM 600334.

Allele frequency attached by ClinVar (database versions not stated): 1000 Genomes Project 30x 0.00031; 1000 Genomes Project 0.00040; ESP Exome Variant Server 0.00042; TOPMed 0.00043; gnomAD 0.00049 and 0.00050; gnomAD exomes 0.00063; ExAC 0.00071.
gnomAD v4.1: 1,196 of 1,612,820 alleles (0.074%); highest among the groups gnomAD compares: Middle Eastern, 0.26%; 8 homozygotes.

Submissions 1 to 15 of 23:

CeGaT Center for Human Genetics Tuebingen
Classification: Likely benign. Last evaluated: 2026-07-01. Review status: criteria provided, single submitter. Criteria: CeGaT Center For Human Genetics Tuebingen Variant Classification Criteria Version 2. Collection method: clinical testing. Allele origin: germline. Affected: yes. Observed: 10 variant alleles.
Comment: TTN: BP4, BS2

Labcorp Genetics (formerly Invitae), Labcorp
Classification: Likely benign for Dilated cardiomyopathy 1G; Autosomal recessive limb-girdle muscular dystrophy type 2J. Last evaluated: 2026-02-03. Review status: criteria provided, single submitter. Criteria: Invitae Variant Classification Sherloc (09022015). Collection method: clinical testing. Allele origin: germline.

Mayo Clinic Laboratories, Mayo Clinic
Classification: Benign. Last evaluated: 2025-11-17. Review status: criteria provided, single submitter. Criteria: ACMG Guidelines, 2015. Collection method: clinical testing. Allele origin: germline. Observed: 5 variant alleles.
Comment: BS1, BS2, BP1

Blueprint Genetics
Classification: Likely benign. Last evaluated: 2024-11-23. Review status: criteria provided, single submitter. Criteria: ACMG Guidelines, 2015. Collection method: clinical testing. Allele origin: germline.

Revvity Omics, Revvity
Classification: Likely benign. Last evaluated: 2024-08-21. Review status: criteria provided, single submitter. Criteria: ACMG Guidelines, 2015. Collection method: clinical testing. Allele origin: germline.

Women's Health and Genetics/Laboratory Corporation of America, LabCorp
Classification: Benign. Last evaluated: 2022-01-20. Review status: criteria provided, single submitter. Criteria: LabCorp Variant Classification Summary - May 2015. Collection method: clinical testing. Allele origin: germline.
Comment: Variant summary: TTN c.32164C>A (p.Pro10722Thr) results in a non-conservative amino acid change located in the I-band region, PEVK 22 domain of the encoded protein sequence. Three of four in-silico tools predict a damaging effect of the variant on protein function. 4/4 computational tools predict no significant impact on normal splicing. However, these predictions have yet to be confirmed by functional studies. The variant allele was found at a frequency of 0.00063 in 247548 control chromosomes, predominantly at a frequency of 0.0019 within the South Asian subpopulation in the gnomAD database, including 1 homozygote. The observed variant frequency within South Asian control individuals in the gnomAD database is approximately 3 fold of the estimated maximal expected allele frequency for a pathogenic variant in TTN causing Cardiomyopathy phenotype (0.00063), strongly suggesting that the variant is a benign polymorphism found primarily in populations of South Asian origin. c.32164C>A has been reported in the literature in individuals affected with Cardiomyopathy without strong evidence for causality (Kostareva_2016, Nunn_2016) and in an individual affected with distal myopathy in which the variant did not segregate with disease in the family (Liewluck_2017), evidence suggestive that the variant is benign. The variant of interest was found co-occurring with other one other known pathogenic variant (TNNI3 c.508C>T, p.Arg170Trp)(Kostareva_2016), providing supporting evidence for a benign role. To our knowledge, no experimental evidence demonstrating an impact on protein function has been reported. Nine ClinVar submitters have assessed the variant since 2014: 4 classified the variant as of uncertain significance, 3 as likely benign, and 2 as benign. One submitter submitted both benign and VUS for different phenotypes. Based on the evidence outlined above, the variant was classified as benign.

GeneDx
Classification: Likely benign. Last evaluated: 2021-04-20. Review status: criteria provided, single submitter. Criteria: GeneDx Variant Classification Process June 2021. Collection method: clinical testing. Allele origin: germline. Affected: yes.
Comment: This variant is associated with the following publications: (PMID: 27662471)

CHEO Genetics Diagnostic Laboratory, Children's Hospital of Eastern Ontario
Classification: Benign for Cardiomyopathy. Last evaluated: 2019-10-03. Review status: criteria provided, single submitter. Criteria: ACMG Guidelines, 2015. Collection method: clinical testing. Allele origin: germline.

ARUP Laboratories, Molecular Genetics and Genomics, ARUP Laboratories
Classification: Uncertain significance. Last evaluated: 2019-04-07. Review status: criteria provided, single submitter. Criteria: ARUP Molecular Germline Variant Investigation Process. Collection method: clinical testing. Allele origin: germline.
Comment: The TTN c.32164C>A; p.Pro10722Thr variant (rs72650064; ClinVar Variation ID: 178221) is rare in the general population (<1% allele frequency in the Genome Aggregation Database) and has not been reported in the medical literature in association with dilated cardiomyopathy (DCM) or other TTN-related disease. The clinical relevance of rare missense variants in this gene, which are identified on average once per individual sequenced in affected populations (Herman 2012), is not well understood. Yet, evidence suggests that the vast majority of such missense variants do not contribute to the clinical outcome of DCM (Begay 2015). Thus, the clinical significance of the p.Pro10722Thr variant cannot be determined with certainty.

Illumina Laboratory Services, Illumina
Classification: Uncertain significance for Early-onset myopathy with fatal cardiomyopathy. Last evaluated: 2018-01-13. Review status: criteria provided, single submitter. Criteria: ICSL Variant Classification Criteria 13 December 2019. Collection method: clinical testing. Allele origin: germline.

Illumina Laboratory Services, Illumina
Classification: Uncertain significance for Dilated cardiomyopathy 1G. Last evaluated: 2018-01-13. Review status: criteria provided, single submitter. Criteria: ICSL Variant Classification Criteria 13 December 2019. Collection method: clinical testing. Allele origin: germline.

Illumina Laboratory Services, Illumina
Classification: Benign for Myopathy, myofibrillar, 9, with early respiratory failure. Last evaluated: 2018-01-13. Review status: criteria provided, single submitter. Criteria: ICSL Variant Classification Criteria 13 December 2019. Collection method: clinical testing. Allele origin: germline.
Comment: This variant was observed in the ICSL laboratory as part of a predisposition screen in an ostensibly healthy population. It had not been previously curated by ICSL or reported in the Human Gene Mutation Database (HGMD: prior to June 1st, 2018), and was therefore a candidate for classification through an automated scoring system. Utilizing variant allele frequency, disease prevalence and penetrance estimates, and inheritance mode, an automated score was calculated to assess if this variant is too frequent to cause the disease. Based on the score and internal cut-off values, a variant classified as benign is not then subjected to further curation. The score for this variant resulted in a classification of benign for this disease.

Illumina Laboratory Services, Illumina
Classification: Uncertain significance for Autosomal recessive limb-girdle muscular dystrophy type 2J. Last evaluated: 2018-01-13. Review status: criteria provided, single submitter. Criteria: ICSL Variant Classification Criteria 13 December 2019. Collection method: clinical testing. Allele origin: germline.

Illumina Laboratory Services, Illumina
Classification: Benign for Tibial muscular dystrophy. Last evaluated: 2018-01-13. Review status: criteria provided, single submitter. Criteria: ICSL Variant Classification Criteria 13 December 2019. Collection method: clinical testing. Allele origin: germline.
Comment: the same text as in the submission from Illumina Laboratory Services, Illumina above.

Center for Advanced Laboratory Medicine, UC San Diego Health, University of California San Diego
Classification: Likely benign for Supraventricular tachycardia; Cardiomyopathy. Last evaluated: 2017-10-02. Review status: criteria provided, single submitter. Criteria: ACMG Guidelines, 2015. Collection method: clinical testing. Allele origin: germline. Affected: yes. Observed: 2 variant alleles.